The following is an entry in ClinVar:

NM_017841.4(SDHAF2):c.206G>A (p.Arg69His)

Gene: SDHAF2 (succinate dehydrogenase complex assembly factor 2; plus strand). Cytogenetic location: 11q12.2.
Variant type: single nucleotide variant.
Coding change: c.206G>A on transcript NM_017841.4 (MANE Select); coding-DNA position 206, G replaced by A.
Protein change: p.Arg69His; replaces arginine 69 with histidine.
Molecular consequence: missense variant.
Genome position (GRCh38, 1-based): chr11:61,437,794, G>A. VCF-style: chr11-61437794-G-A. GRCh37 (hg19) VCF-style: chr11-61205266-G-A.
Other names: short protein forms R69H.
Identifiers: ClinVar variation 231193 (VCV000231193.18), dbSNP rs753474292, ClinGen allele CA057958.

ClinVar aggregate classification (germline): Uncertain significance. Review status: criteria provided, multiple submitters, no conflicts (2 of 4 stars). 4 submissions from 4 submitters: Uncertain significance (4). Last evaluated 2025-10-25.

Conditions:
Hereditary pheochromocytoma and paraganglioma. Also called: Hereditary Paraganglioma-Pheochromocytoma Syndromes; Hereditary paragangliomas and pheochromocytomas; Hereditary pheochromocytoma-paraganglioma. Identifiers: Orphanet 29072, MedGen C4274332, MONDO:0017366.
Hereditary cancer-predisposing syndrome. Also called: Hereditary neoplastic syndrome; Neoplastic Syndromes, Hereditary; Tumor predisposition; Hereditary Cancer Syndrome. Identifiers: Orphanet 140162, MedGen C0027672, MeSH D009386, MONDO:0015356.
Pheochromocytoma/paraganglioma syndrome 2. Also called: SDHAF2-Related Hereditary Paraganglioma-Pheochromocytoma Syndrome (Paragangliomas 2); Paragangliomas 2; GLOMUS TUMORS, FAMILIAL, 2; SDHAF2-Related Hereditary Paraganglioma-Pheochromocytoma Syndrome. Identifiers: Orphanet 29072, MedGen C1866552, MONDO:0011121, OMIM 601650.

Allele frequency attached by ClinVar (database versions not stated): ExAC 0.00002; gnomAD 0.00002; TOPMed 0.00002.
gnomAD v4.1: 12 of 1,613,952 alleles (0.00074%); highest among the groups gnomAD compares: Admixed American, 0.01%; no homozygotes.

Submissions (4):

Labcorp Genetics (formerly Invitae), Labcorp
Classification: Uncertain significance for Hereditary pheochromocytoma and paraganglioma. Last evaluated: 2025-10-25. Review status: criteria provided, single submitter. Criteria: Invitae Variant Classification Sherloc (09022015). Collection method: clinical testing. Allele origin: germline.
Comment: This sequence change replaces arginine, which is basic and polar, with histidine, which is basic and polar, at codon 69 of the SDHAF2 protein (p.Arg69His). This variant is present in population databases (rs753474292, gnomAD 0.01%). This variant has not been reported in the literature in individuals affected with SDHAF2-related conditions. ClinVar contains an entry for this variant (Variation ID: 231193). An algorithm developed to predict the effect of missense changes on protein structure and function (PolyPhen-2) suggests that this variant is likely to be tolerated. In summary, the available evidence is currently insufficient to determine the role of this variant in disease. Therefore, it has been classified as a Variant of Uncertain Significance.

Ambry Genetics
Classification: Uncertain significance for Hereditary cancer-predisposing syndrome. Last evaluated: 2025-01-08. Review status: criteria provided, single submitter. Criteria: Ambry Variant Classification Scheme 2023. Collection method: clinical testing. Allele origin: germline.
Comment: The p.R69H variant (also known as c.206G>A), located in coding exon 2 of the SDHAF2 gene, results from a G to A substitution at nucleotide position 206. The arginine at codon 69 is replaced by histidine, an amino acid with highly similar properties. This amino acid position is highly conserved in available vertebrate species. In addition, this alteration is predicted to be deleterious by in silico analysis. Since supporting evidence is limited at this time, the clinical significance of this alteration remains unclear.

Quest Diagnostics Nichols Institute San Juan Capistrano
Classification: Uncertain significance. Last evaluated: 2025-01-03. Review status: criteria provided, single submitter. Criteria: Quest Diagnostics criteria. Collection method: clinical testing. Allele origin: unknown.
Comment: The SDHAF2 c.206G>A (p.R69H) variant has not been reported in individuals with SDHAF2-related conditions in the published literature. The frequency of this variant in the general population (Genome Aggregation Database) is higher than would generally be expected for pathogenic variants in this gene. Analysis of this variant using bioinformatics tools for the prediction of the effect of amino acid changes on protein structure and function yielded conflicting predictions that this variant is deleterious or benign. Based on the available information, we are unable to determine the clinical significance of this variant.

Fulgent Genetics
Classification: Uncertain significance for Pheochromocytoma/paraganglioma syndrome 2. Last evaluated: 2021-09-02. Review status: criteria provided, single submitter. Criteria: ACMG Guidelines, 2015. Collection method: clinical testing. Allele origin: unknown.